The following is an entry in ClinVar:

NM_002354.3(EPCAM):c.177C>G (p.Cys59Trp)

Gene: EPCAM (epithelial cell adhesion molecule; plus strand). Cytogenetic location: 2p21.
Variant type: single nucleotide variant.
Coding change: c.177C>G on transcript NM_002354.3 (MANE Select); coding-DNA position 177, C replaced by G.
Protein change: p.Cys59Trp; replaces cysteine 59 with tryptophan.
Molecular consequence: missense variant.
Genome position (GRCh38, 1-based): chr2:47,373,563, C>G. VCF-style: chr2-47373563-C-G. GRCh37 (hg19) VCF-style: chr2-47600702-C-G.
Other names: short protein forms C59W.
Identifiers: ClinVar variation 2624800 (VCV002624800.2), dbSNP rs2103745990, ClinGen allele CA346722684.
Genomic context (GRCh38, chr2:47,373,563, plus strand): 5'-TGTGAATAATAATCGTCAATGCCAGTGTACTTCAGTTGGTGCACAAAATACTGTCATTTG[C>G]TCAAAGCGTGAGTAAAATATCCTAATTACCTGTAAGCTTTATTTTGACTTAATACTTCTT-3'
Protein context (NP_002345.2, residues 49-69): TSVGAQNTVI[Cys59Trp]SKLAAKCLVM

ClinVar aggregate classification (germline): Uncertain significance (1 of 4 stars; one submission).

Conditions:
Hereditary cancer-predisposing syndrome. Also called: Tumor predisposition; Hereditary Cancer Syndrome; Hereditary neoplastic syndrome; Neoplastic Syndromes, Hereditary. Identifiers: Orphanet 140162, MedGen C0027672, MeSH D009386, MONDO:0015356.

Submission:

Ambry Genetics
Classification: Uncertain significance for Hereditary cancer-predisposing syndrome. Last evaluated: 2023-06-24. Review status: criteria provided, single submitter. Criteria: Ambry Variant Classification Scheme 2023. Collection method: clinical testing. Allele origin: germline.
Comment: The p.C59W variant (also known as c.177C>G), located in coding exon 2 of the EPCAM gene, results from a C to G substitution at nucleotide position 177. The cysteine at codon 59 is replaced by tryptophan, an amino acid with highly dissimilar properties. This amino acid position is conserved. In addition, this alteration is predicted to be deleterious by in silico analysis. Since supporting evidence is limited at this time, the clinical significance of this alteration remains unclear.